The following is an entry in ClinVar:

NM_000264.5(PTCH1):c.1068C>T (p.Ser356=)

Gene: PTCH1 (patched 1; minus strand). Cytogenetic location: 9q22.32.
Variant type: single nucleotide variant.
Coding change: c.1068C>T on transcript NM_000264.5 (MANE Select); coding-DNA position 1068, C replaced by T.
Protein change: p.Ser356=; no amino-acid change (serine 356 retained).
Molecular consequence: synonymous variant. On other transcripts: non-coding transcript variant (1).
Genome position (GRCh38, 1-based): chr9:95,479,147, G>A on the plus strand (C>T on the coding strand, the complement: PTCH1 is on the minus strand). VCF-style: chr9-95479147-G-A. GRCh37 (hg19) VCF-style: chr9-98241429-G-A.
Other names: c.870C>T, p.Ser290= (NM_001083602.3); c.1065C>T, p.Ser355= (NM_001083603.3); c.615C>T, p.Ser205= (NM_001083604.3, NM_001083605.3, NM_001083606.3 and 1 more transcripts); c.1068C>T, p.Ser356= (NM_001354918.2).
Identifiers: ClinVar variation 580752 (VCV000580752.17), dbSNP rs1051875027, ClinGen allele CA196595042.
Genomic context (GRCh38, chr9:95,479,147, plus strand): 5'-GAAGTGCTCGTACATTTGCTTGGGAGTCATTAACTGGAACATGGTCTGCAGGGCATGGGC[G>A]CTGCAGCACAGTCCAAGGGAAGGCACATCATCAGTATTCCCAGGAAGCAGTTTCCACTGC-3'
Protein context (NP_000255.2, residues 346-366): TVKNSTGKLV[Ser356=]AHALQTMFQL

ClinVar aggregate classification (germline): Conflicting classifications of pathogenicity. Review status: criteria provided, conflicting classifications (1 of 4 stars). 4 submissions from 4 submitters: Uncertain significance (1); Likely benign (3). Last evaluated 2025-12-24.

Conditions:
Charcot-Marie-Tooth disease. Also called: Charcot-Marie-Tooth Hereditary Neuropathy; Charcot-Marie-Tooth Neuropathy. Identifiers: Orphanet 166, MedGen C0007959, MONDO:0015626.
Hereditary cancer-predisposing syndrome. Also called: Neoplastic Syndromes, Hereditary; Tumor predisposition; Hereditary Cancer Syndrome; Hereditary neoplastic syndrome. Identifiers: Orphanet 140162, MedGen C0027672, MeSH D009386, MONDO:0015356.
Gorlin syndrome. Also called: Basal cell nevus syndrome; Nevoid Basal Cell Carcinoma Syndrome. Identifiers: Orphanet 377, MedGen C0004779, MONDO:0007187.
PTCH1-related disorder. Also called: PTCH1-related disorders; PTCH1-related condition.

Allele frequency attached by ClinVar (database versions not stated): gnomAD 0.00001; gnomAD exomes 0.00001; TOPMed 0.00002.
gnomAD v4.1: 14 of 1,613,886 alleles (0.00087%); highest among the groups gnomAD compares: East Asian, 0.0022%; no homozygotes.

Submissions (4):

Labcorp Genetics (formerly Invitae), Labcorp
Classification: Likely benign for Gorlin syndrome. Last evaluated: 2025-12-24. Review status: criteria provided, single submitter. Criteria: Invitae Variant Classification Sherloc (09022015). Collection method: clinical testing. Allele origin: germline.

PreventionGenetics, part of Exact Sciences
Classification: Likely benign for PTCH1-related condition. Last evaluated: 2024-11-08. Review status: criteria provided, single submitter. Criteria: ACMG Guidelines, 2015. Collection method: clinical testing. Allele origin: germline.
Comment: This variant is classified as likely benign based on ACMG/AMP sequence variant interpretation guidelines (Richards et al. 2015 PMID: 25741868, with internal and published modifications).

Ambry Genetics
Classification: Likely benign for Hereditary cancer-predisposing syndrome. Last evaluated: 2024-01-23. Review status: criteria provided, single submitter. Criteria: Ambry Variant Classification Scheme 2023. Collection method: clinical testing. Allele origin: germline.

Cambridge Genomics Laboratory, East Genomic Laboratory Hub, NHS Genomic Medicine Service
Classification: Uncertain significance for Charcot-Marie-Tooth disease. Last evaluated: 2019-12-11. Review status: criteria provided, single submitter. Criteria: ACGS Best Practice Guidelines for Variant Classification in Rare Disease 2020. Collection method: clinical testing. Allele origin: germline. Affected: yes. Observed: 1 variant allele.